The following is an entry in ClinVar:

NM_032590.5(KDM2B):c.3285G>A (p.Trp1095Ter)

Gene: KDM2B (lysine demethylase 2B; minus strand). Cytogenetic location: 12q24.31.
Variant type: single nucleotide variant.
Coding change: c.3285G>A on transcript NM_032590.5 (MANE Select); coding-DNA position 3285, G replaced by A.
Protein change: p.Trp1095Ter; replaces tryptophan 1095 with a stop codon.
Molecular consequence: nonsense.
Genome position (GRCh38, 1-based): chr12:121,441,233, C>T on the plus strand (G>A on the coding strand, the complement: KDM2B is on the minus strand). VCF-style: chr12-121441233-C-T. GRCh37 (hg19) VCF-style: chr12-121879036-C-T.
Other names: c.3078G>A, p.Trp1026Ter (NM_001005366.2); short protein forms W1026*, W1095*.
Identifiers: ClinVar variation 3367532 (VCV003367532.1).

ClinVar aggregate classification (germline): Uncertain significance (1 of 4 stars; one submission).

Submission:

GeneDx
Classification: Uncertain significance. Last evaluated: 2024-01-04. Review status: criteria provided, single submitter. Criteria: GeneDx Variant Classification Process June 2021. Collection method: clinical testing. Allele origin: germline. Affected: yes.
Comment: Nonsense variant predicted to result in protein truncation or nonsense mediated decay in a gene for which loss of function is a known mechanism of disease; Has not been previously published as pathogenic or benign to our knowledge